The following is an entry in ClinVar:

ClinVar aggregate classification (germline): Pathogenic (1 of 4 stars; one submission).

Conditions:
Kabuki syndrome. Also called: NIIKAWA-KUROKI SYNDROME; Kabuki make-up syndrome. Identifiers: Orphanet 2322, MedGen C0796004, MONDO:0016512.

Submission:

Labcorp Genetics (formerly Invitae), Labcorp
Classification: Pathogenic for Kabuki syndrome. Last evaluated: 2019-02-09. Review status: criteria provided, single submitter. Criteria: Invitae Variant Classification Sherloc (09022015). Collection method: clinical testing. Allele origin: germline.
Comment: For these reasons, this variant has been classified as Pathogenic. Loss-of-function variants in KMT2D are known to be pathogenic (PMID: 22126750). This variant has not been reported in the literature in individuals with KMT2D-related conditions. This variant is not present in population databases (ExAC no frequency). This sequence change creates a premature translational stop signal (p.Glu3046*) in the KMT2D gene. It is expected to result in an absent or disrupted protein product.

Literature cited by the submitters: PubMed 22126750.

NM_003482.4(KMT2D):c.9136G>T (p.Glu3046Ter)

Gene: KMT2D (lysine methyltransferase 2D; minus strand). Cytogenetic location: 12q13.12.
Variant type: single nucleotide variant.
Coding change: c.9136G>T on transcript NM_003482.4 (MANE Select); coding-DNA position 9136, G replaced by T.
Protein change: p.Glu3046Ter; replaces glutamic acid 3046 with a stop codon.
Molecular consequence: nonsense.
Genome position (GRCh38, 1-based): chr12:49,038,220, C>A on the plus strand (G>T on the coding strand, the complement: KMT2D is on the minus strand). VCF-style: chr12-49038220-C-A. GRCh37 (hg19) VCF-style: chr12-49432003-C-A.
Other names: short protein forms E3046*.
Identifiers: ClinVar variation 860101 (VCV000860101.7), dbSNP rs1943319609, ClinGen allele CA384739582.